The following is an entry in ClinVar:

ClinVar aggregate classification (germline): Likely benign (0 of 4 stars; one submission).

Conditions:
KMT2A-related disorder. Also called: KMT2A-related condition.

gnomAD v4.1: 5 of 1,614,164 alleles (0.00031%); highest among the groups gnomAD compares: Non-Finnish European, 0.00042%; no homozygotes.

Submission:

PreventionGenetics, part of Exact Sciences
Classification: Likely benign for KMT2A-related condition. Last evaluated: 2023-09-08. Review status: no assertion criteria provided. Collection method: clinical testing. Allele origin: germline.
Comment: This variant is classified as likely benign based on ACMG/AMP sequence variant interpretation guidelines (Richards et al. 2015 PMID: 25741868, with internal and published modifications).

NM_001197104.2(KMT2A):c.9744T>G (p.Pro3248=)

Gene: KMT2A (lysine methyltransferase 2A; plus strand). Cytogenetic location: 11q23.3.
Variant type: single nucleotide variant.
Coding change: c.9744T>G on transcript NM_001197104.2 (MANE Select); coding-DNA position 9744, T replaced by G.
Protein change: p.Pro3248=; no amino-acid change (proline 3248 retained).
Molecular consequence: synonymous variant.
Genome position (GRCh38, 1-based): chr11:118,505,636, T>G. VCF-style: chr11-118505636-T-G. GRCh37 (hg19) VCF-style: chr11-118376351-T-G.
Other names: c.9834T>G, p.Pro3278= (NM_001412597.1); c.9735T>G, p.Pro3245= (NM_005933.4).
Identifiers: ClinVar variation 3050486 (VCV003050486.2), dbSNP rs2497022560, ClinGen allele CA477361110.